The following is an entry in ClinVar:

NM_022436.3(ABCG5):c.521A>G (p.Glu174Gly)

Genes: DYNC2LI1 (dynein cytoplasmic 2 light intermediate chain 1; plus strand), ABCG5 (ATP binding cassette subfamily G member 5; minus strand). Cytogenetic location: 2p21.
Variant type: single nucleotide variant.
Coding change: c.521A>G on transcript NM_022436.3 (MANE Select); coding-DNA position 521, A replaced by G.
Protein change: p.Glu174Gly; replaces glutamic acid 174 with glycine.
Molecular consequence: missense variant. On other transcripts: 3 prime UTR variant (2).
Genome position (GRCh38, 1-based): chr2:43,828,096, T>C on the plus strand (A>G on the coding strand, the complement: ABCG5 is on the minus strand). VCF-style: chr2-43828096-T-C. GRCh37 (hg19) VCF-style: chr2-44055235-T-C.
Other names: c.*726T>C (NM_001348912.2, NM_001348913.2); short protein forms E174G.
Identifiers: ClinVar variation 1879466 (VCV001879466.26), dbSNP rs2466054161, ClinGen allele CA346667570.

ClinVar aggregate classification (germline): Uncertain significance (1 of 4 stars; one submission).

Allele frequency attached by ClinVar (database versions not stated): gnomAD exomes below 0.00001.
gnomAD v4.1: 1 of 1,613,882 alleles (0.000062%); highest among the groups gnomAD compares: Non-Finnish European, 0.000085%; no homozygotes.

Submission:

CeGaT Center for Human Genetics Tuebingen
Classification: Uncertain significance. Last evaluated: 2022-11-01. Review status: criteria provided, single submitter. Criteria: CeGaT Center For Human Genetics Tuebingen Variant Classification Criteria Version 2. Collection method: clinical testing. Allele origin: germline. Affected: yes. Observed: 1 variant allele.
Comment: ABCG5: PM2